The following is an entry in ClinVar:

ClinVar aggregate classification (germline): Uncertain significance (1 of 4 stars; one submission).

Conditions:
Progressive encephalopathy with leukodystrophy due to DECR deficiency. Identifiers: Orphanet 431361, MedGen C1857252, MONDO:0014464, OMIM 616034.

Submission:

Labcorp Genetics (formerly Invitae), Labcorp
Classification: Uncertain significance for Progressive encephalopathy with leukodystrophy due to DECR deficiency. Last evaluated: 2024-07-01. Review status: criteria provided, single submitter. Criteria: Invitae Variant Classification Sherloc (09022015). Collection method: clinical testing. Allele origin: germline.
Comment: This sequence change replaces asparagine, which is neutral and polar, with lysine, which is basic and polar, at codon 349 of the NADK2 protein (p.Asn349Lys). This variant is not present in population databases (gnomAD no frequency). This variant has not been reported in the literature in individuals affected with NADK2-related conditions. ClinVar contains an entry for this variant (Variation ID: 1525586). Advanced modeling of protein sequence and biophysical properties (such as structural, functional, and spatial information, amino acid conservation, physicochemical variation, residue mobility, and thermodynamic stability) performed at Invitae indicates that this missense variant is not expected to disrupt NADK2 protein function with a negative predictive value of 80%. In summary, the available evidence is currently insufficient to determine the role of this variant in disease. Therefore, it has been classified as a Variant of Uncertain Significance.

NM_001085411.3(NADK2):c.1047C>G (p.Asn349Lys)

Gene: NADK2 (NAD kinase 2, mitochondrial; minus strand). Cytogenetic location: 5p13.2.
Variant type: single nucleotide variant.
Coding change: c.1047C>G on transcript NM_001085411.3 (MANE Select); coding-DNA position 1047, C replaced by G.
Protein change: p.Asn349Lys; replaces asparagine 349 with lysine.
Molecular consequence: missense variant.
Genome position (GRCh38, 1-based): chr5:36,200,246, G>C on the plus strand (C>G on the coding strand, the complement: NADK2 is on the minus strand). VCF-style: chr5-36200246-G-C. GRCh37 (hg19) VCF-style: chr5-36200348-G-C.
Other names: c.558C>G, p.Asn186Lys (NM_001287340.2, NM_153013.5); c.624C>G, p.Asn208Lys (NM_001287341.2); short protein forms N208K, N186K, N349K.
Identifiers: ClinVar variation 1525586 (VCV001525586.8), dbSNP rs2112066758, ClinGen allele CA359452594.